The following is an entry in ClinVar:

ClinVar aggregate classification (germline): Uncertain significance (1 of 4 stars; one submission).

Allele frequency attached by ClinVar (database versions not stated): gnomAD exomes below 0.00001.
gnomAD v4.1: 8 of 1,612,668 alleles (0.0005%); highest among the groups gnomAD compares: Non-Finnish European, 0.00042%; no homozygotes.

Submission:

Labcorp Genetics (formerly Invitae), Labcorp
Classification: Uncertain significance. Last evaluated: 2021-09-09. Review status: criteria provided, single submitter. Criteria: Invitae Variant Classification Sherloc (09022015). Collection method: clinical testing. Allele origin: germline.
Comment: Algorithms developed to predict the effect of missense changes on protein structure and function are either unavailable or do not agree on the potential impact of this missense change (SIFT: "Deleterious"; PolyPhen-2: "Possibly Damaging"; Align-GVGD: "Class C0"). Algorithms developed to predict the effect of sequence changes on RNA splicing suggest that this variant may create or strengthen a splice site. In summary, the available evidence is currently insufficient to determine the role of this variant in disease. Therefore, it has been classified as a Variant of Uncertain Significance. This variant has not been reported in the literature in individuals affected with RDH11-related conditions. This variant is not present in population databases (ExAC no frequency). This sequence change replaces glycine with arginine at codon 31 of the RDH11 protein (p.Gly31Arg). The glycine residue is moderately conserved and there is a moderate physicochemical difference between glycine and arginine.

NM_016026.4(RDH11):c.91G>A (p.Gly31Arg)

Genes: GPHN (gephyrin; plus strand), RDH11 (retinol dehydrogenase 11; minus strand). Cytogenetic location: 14q24.1.
Variant type: single nucleotide variant.
Coding change: c.91G>A on transcript NM_016026.4 (MANE Select); coding-DNA position 91, G replaced by A.
Protein change: p.Gly31Arg; replaces glycine 31 with arginine.
Molecular consequence: missense variant.
Genome position (GRCh38, 1-based): chr14:67,693,036, C>T on the plus strand (G>A on the coding strand, the complement: RDH11 is on the minus strand). VCF-style: chr14-67693036-C-T. GRCh37 (hg19) VCF-style: chr14-68159753-C-T.
Other names: c.91G>A, p.Gly31Arg (NM_001252650.2); short protein forms G31R.
Identifiers: ClinVar variation 1350187 (VCV001350187.6), dbSNP rs1033362794, ClinGen allele CA262796416.